The following is an entry in ClinVar:

NM_000051.4(ATM):c.2170_2200del (p.Val723_Gly724insTer)

Gene: ATM (ATM serine/threonine kinase; plus strand). Cytogenetic location: 11q22.3.
Variant type: Deletion.
Coding change: c.2170_2200del on transcript NM_000051.4 (MANE Select); coding-DNA positions 2170 to 2200, 31 bases deleted.
Protein change: p.Val723_Gly724insTer.
Molecular consequence: nonsense.
Genome position (GRCh38, 1-based): chr11:108,256,260-108,256,290, 31 bases deleted; deleting any 31 consecutive bases within chr11:108,256,256-108,256,290 gives the same sequence; the c. name uses the placement nearest the transcript's 3' end. GRCh37 (hg19): chr11:108,126,987-108,127,017.
Other names: c.2170_2200del, p.Val723_Gly724insTer (NM_001351834.2).
Identifiers: ClinVar variation 2747327 (VCV002747327.3), dbSNP rs2497357735, ClinGen allele CA2697548963.

ClinVar aggregate classification (germline): Pathogenic (1 of 4 stars; one submission).

Conditions:
Ataxia-telangiectasia syndrome (AT). Also called: AT, COMPLEMENTATION GROUP C; Ataxia-telangiectasia, complementation group D; ATAXIA-TELANGIECTASIA, COMPLEMENTATION GROUP A; ATAXIA-TELANGIECTASIA, FRESNO VARIANT; Ataxia-telangiectasia; Ataxia telangiectasia (A-T). Identifiers: Orphanet 100, MedGen C0004135, MONDO:0008840, OMIM 208900.

Submission:

Labcorp Genetics (formerly Invitae), Labcorp
Classification: Pathogenic for Ataxia-telangiectasia syndrome. Last evaluated: 2023-07-26. Review status: criteria provided, single submitter. Criteria: Invitae Variant Classification Sherloc (09022015). Collection method: clinical testing. Allele origin: germline.
Comment: This variant is not present in population databases (gnomAD no frequency). This sequence change creates a premature translational stop signal (p.Gly724*) in the ATM gene. It is expected to result in an absent or disrupted protein product. Loss-of-function variants in ATM are known to be pathogenic (PMID: 23807571, 25614872). For these reasons, this variant has been classified as Pathogenic. This variant has not been reported in the literature in individuals affected with ATM-related conditions.

Literature cited by the submitters: PubMed 23807571; PubMed 25614872.